The following is an entry in ClinVar:

ClinVar aggregate classification (germline): Uncertain significance (1 of 4 stars; one submission).

Conditions:
Hypertrophic cardiomyopathy 10. Also called: MYL2-Related Familial Hypertrophic Cardiomyopathy; CARDIOMYOPATHY, HYPERTROPHIC, MID-LEFT VENTRICULAR CHAMBER TYPE, 2. Identifiers: MedGen C1834460, MONDO:0012112, OMIM 608758.

Allele frequency attached by ClinVar (database versions not stated): gnomAD exomes below 0.00001.
gnomAD v4.1: 2 of 1,613,880 alleles (0.00012%); highest among the groups gnomAD compares: Non-Finnish European, 0.00017%; no homozygotes.

Submission:

Labcorp Genetics (formerly Invitae), Labcorp
Classification: Uncertain significance for Hypertrophic cardiomyopathy 10. Last evaluated: 2023-06-16. Review status: criteria provided, single submitter. Criteria: Invitae Variant Classification Sherloc (09022015). Collection method: clinical testing. Allele origin: germline.
Comment: In summary, the available evidence is currently insufficient to determine the role of this variant in disease. Therefore, it has been classified as a Variant of Uncertain Significance. An algorithm developed to predict the effect of missense changes on protein structure and function (PolyPhen-2) suggests that this variant is likely to be disruptive. ClinVar contains an entry for this variant (Variation ID: 663432). This missense change has been observed in individual(s) with dilated cardiomyopathy (PMID: 31983221). This variant is not present in population databases (gnomAD no frequency). This sequence change replaces methionine, which is neutral and non-polar, with threonine, which is neutral and polar, at codon 85 of the MYL2 protein (p.Met85Thr).

Literature cited by the submitters: PubMed 31983221.

NM_000432.4(MYL2):c.254T>C (p.Met85Thr)

Gene: MYL2 (myosin light chain 2; minus strand). Cytogenetic location: 12q24.11.
Variant type: single nucleotide variant.
Coding change: c.254T>C on transcript NM_000432.4 (MANE Select); coding-DNA position 254, T replaced by C.
Protein change: p.Met85Thr; replaces methionine 85 with threonine.
Molecular consequence: missense variant.
Genome position (GRCh38, 1-based): chr12:110,914,206, A>G on the plus strand (T>C on the coding strand, the complement: MYL2 is on the minus strand). VCF-style: chr12-110914206-A-G. GRCh37 (hg19) VCF-style: chr12-111352010-A-G.
Other names: short protein forms M85T.
Identifiers: ClinVar variation 663432 (VCV000663432.9), dbSNP rs1592800278, ClinGen allele CA386698681.